The following is an entry in ClinVar:

ClinVar aggregate classification (germline): Uncertain significance (1 of 4 stars; one submission).

Allele frequency attached by ClinVar (database versions not stated): gnomAD exomes below 0.00001.
gnomAD v4.1: 4 of 1,613,656 alleles (0.00025%); highest among the groups gnomAD compares: Non-Finnish European, 0.00025%; no homozygotes.

Submission:

Labcorp Genetics (formerly Invitae), Labcorp
Classification: Uncertain significance. Last evaluated: 2023-08-04. Review status: criteria provided, single submitter. Criteria: Invitae Variant Classification Sherloc (09022015). Collection method: clinical testing. Allele origin: germline.
Comment: This sequence change replaces arginine, which is basic and polar, with histidine, which is basic and polar, at codon 2065 of the KMT2A protein (p.Arg2065His). This variant is not present in population databases (gnomAD no frequency). This variant has not been reported in the literature in individuals affected with KMT2A-related conditions. ClinVar contains an entry for this variant (Variation ID: 1938535). Advanced modeling of protein sequence and biophysical properties (such as structural, functional, and spatial information, amino acid conservation, physicochemical variation, residue mobility, and thermodynamic stability) has been performed at Invitae for this missense variant, however the output from this modeling did not meet the statistical confidence thresholds required to predict the impact of this variant on KMT2A protein function. In summary, the available evidence is currently insufficient to determine the role of this variant in disease. Therefore, it has been classified as a Variant of Uncertain Significance.

NM_001197104.2(KMT2A):c.6194G>A (p.Arg2065His)

Gene: KMT2A (lysine methyltransferase 2A; plus strand). Cytogenetic location: 11q23.3.
Variant type: single nucleotide variant.
Coding change: c.6194G>A on transcript NM_001197104.2 (MANE Select); coding-DNA position 6194, G replaced by A.
Protein change: p.Arg2065His; replaces arginine 2065 with histidine.
Molecular consequence: missense variant.
Genome position (GRCh38, 1-based): chr11:118,501,022, G>A. VCF-style: chr11-118501022-G-A. GRCh37 (hg19) VCF-style: chr11-118371737-G-A.
Other names: c.6284G>A, p.Arg2095His (NM_001412597.1); c.6185G>A, p.Arg2062His (NM_005933.4); short protein forms R2062H, R2065H, R2095H.
Identifiers: ClinVar variation 1938535 (VCV001938535.5), dbSNP rs2134378496, ClinGen allele CA382800865.